The following is an entry in ClinVar:

ClinVar aggregate classification (germline): Benign/Likely benign. Review status: criteria provided, multiple submitters, no conflicts (2 of 4 stars). 6 submissions from 6 submitters: Benign (2); Likely benign (4). Last evaluated 2025-12-08.

Conditions:
Tuberous sclerosis 2 (TSC2). Identifiers: Orphanet 805, MedGen C1860707, MONDO:0013199, OMIM 613254.
Isolated focal cortical dysplasia type II (FCORD2). Also called: CORTICAL DYSPLASIA OF TAYLOR; Focal cortical dysplasia type II. Identifiers: Orphanet 268994, MedGen C1846385, MONDO:0011818, OMIM 607341, HP:0032051.
Lymphangiomyomatosis (LAM). Also called: Lymphangioleiomyomatosis; Lymphangioleiomyomatosis, somatic. Identifiers: Orphanet 538, MedGen C0751674, MONDO:0011705, OMIM 606690.
Hereditary cancer-predisposing syndrome. Also called: Hereditary neoplastic syndrome; Neoplastic Syndromes, Hereditary; Tumor predisposition; Hereditary Cancer Syndrome. Identifiers: Orphanet 140162, MedGen C0027672, MeSH D009386, MONDO:0015356.
Tuberous sclerosis syndrome (TSC). Also called: Tuberous Sclerosis Complex; Tuberous sclerosis. Identifiers: Orphanet 805, MedGen C0041341, MONDO:0001734.

Allele frequency attached by ClinVar (database versions not stated): gnomAD exomes below 0.00001 and 0.00001; TOPMed below 0.00001; ExAC 0.00001; gnomAD 0.00001.
gnomAD v4.1: 20 of 1,611,482 alleles (0.0012%); highest among the groups gnomAD compares: East Asian, 0.042%; no homozygotes.

Submissions (6):

Labcorp Genetics (formerly Invitae), Labcorp
Classification: Likely benign for Tuberous sclerosis 2. Last evaluated: 2025-12-08. Review status: criteria provided, single submitter. Criteria: Invitae Variant Classification Sherloc (09022015). Collection method: clinical testing. Allele origin: germline.

Myriad Genetics, Inc.
Classification: Benign for Tuberous sclerosis 2. Last evaluated: 2025-05-29. Review status: criteria provided, single submitter. Criteria: Myriad Autosomal Dominant, Autosomal Recessive and X-Linked Classification Criteria (2023). Collection method: clinical testing. Allele origin: unknown.
Comment: This variant is considered benign. This variant is a silent/synonymous amino acid change and it is not expected to impact splicing.

All of Us Research Program, National Institutes of Health
Classification: Likely benign for Tuberous sclerosis syndrome. Last evaluated: 2024-07-20. Review status: criteria provided, single submitter. Criteria: ACMG Guidelines, 2015. Collection method: clinical testing. Allele origin: germline. Inheritance: Autosomal dominant inheritance. Observed: 2 variant alleles, 2 heterozygotes.
Comment: This study involves interpretation of variants in research participants for the purpose of population health screening. Participant phenotype was not available at the time of variant classification. Additional details can be found in publication PMID: 35346344, PMCID: PMC8962531

Fulgent Genetics
Classification: Likely benign for Lymphangiomyomatosis; Isolated focal cortical dysplasia type II; Tuberous sclerosis 2. Last evaluated: 2022-03-14. Review status: criteria provided, single submitter. Criteria: ACMG Guidelines, 2015. Collection method: clinical testing. Allele origin: unknown.

Genome-Nilou Lab
Classification: Benign for Tuberous sclerosis 2. Last evaluated: 2021-11-07. Review status: criteria provided, single submitter. Criteria: ACMG Guidelines, 2015. Collection method: clinical testing. Allele origin: germline. Affected: no.

Ambry Genetics
Classification: Likely benign for Hereditary cancer-predisposing syndrome. Last evaluated: 2018-01-02. Review status: criteria provided, single submitter. Criteria: Ambry Variant Classification Scheme 2023. Collection method: clinical testing. Allele origin: germline.

NM_000548.5(TSC2):c.3606C>T (p.Pro1202=)

Gene: TSC2 (TSC complex subunit 2; plus strand). Cytogenetic location: 16p13.3.
Variant type: single nucleotide variant.
Coding change: c.3606C>T on transcript NM_000548.5 (MANE Select); coding-DNA position 3606, C replaced by T.
Protein change: p.Pro1202=; no amino-acid change (proline 1202 retained).
Molecular consequence: synonymous variant.
Genome position (GRCh38, 1-based): chr16:2,080,373, C>T. VCF-style: chr16-2080373-C-T. GRCh37 (hg19) VCF-style: chr16-2130374-C-T.
Other names: c.3474C>T, p.Pro1158= (NM_001077183.3, NM_001370404.1); c.3606C>T, p.Pro1202= (NM_001114382.3); c.3366C>T, p.Pro1122= (NM_001318827.2); c.3330C>T, p.Pro1110= (NM_001318829.2); c.2874C>T, p.Pro958= (NM_001318831.2); c.3507C>T, p.Pro1169= (NM_001318832.2); c.3477C>T, p.Pro1159= (NM_001363528.2, NM_001370405.1, NM_021055.3).
Identifiers: ClinVar variation 468026 (VCV000468026.22), dbSNP rs772580979, ClinGen allele CA047581.